The following is an entry in ClinVar:

NM_000322.5(PRPH2):c.202G>C (p.Gly68Arg)

Gene: PRPH2 (peripherin 2; minus strand). Cytogenetic location: 6p21.1.
Variant type: single nucleotide variant.
Coding change: c.202G>C on transcript NM_000322.5 (MANE Select); coding-DNA position 202, G replaced by C.
Protein change: p.Gly68Arg; replaces glycine 68 with arginine.
Molecular consequence: missense variant.
Genome position (GRCh38, 1-based): chr6:42,722,133, C>G on the plus strand (G>C on the coding strand, the complement: PRPH2 is on the minus strand). VCF-style: chr6-42722133-C-G. GRCh37 (hg19) VCF-style: chr6-42689871-C-G.
Other names: short protein forms G68R.
Identifiers: ClinVar variation 1175253 (VCV001175253.1), dbSNP rs61755774, ClinGen allele CA364138392.

ClinVar aggregate classification (germline): Likely pathogenic (0 of 4 stars; one submission).

Submission:

Leiden Open Variation Database
Classification: Likely pathogenic. Last evaluated: 2021-04-06. Review status: no assertion criteria provided. Collection method: curation. Allele origin: germline. Affected: yes.
Comment: Curator: Global Variome, with Curator vacancy. Submitter to LOVD: Manon Peeters.

Literature cited by the submitters: PubMed 8994365; PubMed 9331261.